The following is an entry in ClinVar:

ClinVar aggregate classification (germline): Pathogenic. Review status: criteria provided, multiple submitters, no conflicts (2 of 4 stars). 2 submissions from 2 submitters: Pathogenic (2). Last evaluated 2022-09-01.

Conditions:
Osteogenesis imperfecta type I (OI1). Also called: OI, TYPE I; OSTEOGENESIS IMPERFECTA TARDA; OSTEOGENESIS IMPERFECTA WITH BLUE SCLERAE; Osteogenesis imperfecta type 1; Classic Non-deforming Osteogenesis Imperfecta with Blue Sclerae; Lobstein's Disease. Identifiers: Orphanet 216796, Orphanet 666, MedGen C0023931, MONDO:0008146, OMIM 166200. Disease mechanism: loss of function.
Osteogenesis imperfecta with normal sclerae, dominant form (OI4). Also called: OSTEOGENESIS IMPERFECTA WITH NORMAL SCLERAE; Osteogenesis imperfecta type 4; Common Variable Osteogenesis Imperfecta with Normal Sclerae; OSTEOGENESIS IMPERFECTA, TYPE IV, WITH DENTINOGENESIS IMPERFECTA; Osteogenesis Imperfecta Type IV. Identifiers: Orphanet 216820, Orphanet 666, MedGen C0268363, MONDO:0008148, OMIM 166220.

Submissions (2):

3billion
Classification: Pathogenic for Osteogenesis imperfecta with normal sclerae, dominant form. Last evaluated: 2022-09-01. Review status: criteria provided, single submitter. Criteria: ACMG Guidelines, 2015. Collection method: clinical testing. Allele origin: germline. Affected: yes. Observed: 1 heterozygote.
Comment: The variant is not observed in the gnomAD v2.1.1 dataset. Stop-gained (nonsense) is predicted to result in a loss or disruption of normal protein function through nonsense-mediated decay (NMD) or protein truncation. Multiple pathogenic variants are reported downstream of the variant. The variant has been reported to be associated with COL1A1-related disorder (ClinVar ID: VCV001074344 / PMID: 30886339). Therefore, this variant is classified as Pathogenic according to the recommendation of ACMG/AMP guideline.

Labcorp Genetics (formerly Invitae), Labcorp
Classification: Pathogenic for Osteogenesis imperfecta type I. Last evaluated: 2022-07-26. Review status: criteria provided, single submitter. Criteria: Invitae Variant Classification Sherloc (09022015). Collection method: clinical testing. Allele origin: germline.
Comment: ClinVar contains an entry for this variant (Variation ID: 1074344). For these reasons, this variant has been classified as Pathogenic. This premature translational stop signal has been observed in individuals with osteogenesis imperfecta (PMID: 30886339; Invitae). This variant is not present in population databases (gnomAD no frequency). This sequence change creates a premature translational stop signal (p.Gly602*) in the COL1A1 gene. It is expected to result in an absent or disrupted protein product. Loss-of-function variants in COL1A1 are known to be pathogenic (PMID: 7942841, 9295084, 9443882).

Literature cited by the submitters: PubMed 30886339 (cited by 3billion and Labcorp Genetics (formerly Invitae), Labcorp); PubMed 7942841 (cited by Labcorp Genetics (formerly Invitae), Labcorp); PubMed 9295084 (cited by Labcorp Genetics (formerly Invitae), Labcorp); PubMed 9443882 (cited by Labcorp Genetics (formerly Invitae), Labcorp).

NM_000088.4(COL1A1):c.1804G>T (p.Gly602Ter)

Gene: COL1A1 (collagen type I alpha 1 chain; minus strand). Cytogenetic location: 17q21.33.
Variant type: single nucleotide variant.
Coding change: c.1804G>T on transcript NM_000088.4 (MANE Select); coding-DNA position 1804, G replaced by T.
Protein change: p.Gly602Ter; replaces glycine 602 with a stop codon.
Molecular consequence: nonsense.
Genome position (GRCh38, 1-based): chr17:50,193,011, C>A on the plus strand (G>T on the coding strand, the complement: COL1A1 is on the minus strand). VCF-style: chr17-50193011-C-A. GRCh37 (hg19) VCF-style: chr17-48270372-C-A.
Other names: short protein forms G602*.
Identifiers: ClinVar variation 1074344 (VCV001074344.11), dbSNP rs72651615, ClinGen allele CA400214906.